The following is an entry in ClinVar:

ClinVar aggregate classification (germline): Conflicting classifications of pathogenicity. Review status: criteria provided, conflicting classifications (1 of 4 stars). 6 submissions from 4 submitters: Uncertain significance (2); Likely benign (4). Last evaluated 2026-01-19.

Conditions:
Cockayne syndrome type 2 (CSB). Also called: COCKAYNE SYNDROME B; Cockayne Syndrome, Type II. Identifiers: Orphanet 191, Orphanet 90322, MedGen C0751038, MONDO:0019570, OMIM 133540.
Cerebrooculofacioskeletal syndrome 1 (COFS1). Also called: Cerebro-oculo-facio-skeletal syndrome 1. Identifiers: MedGen C0220722, MONDO:0008955, OMIM 214150.
Age related macular degeneration 5. Identifiers: MedGen C3151063, MONDO:0013409, OMIM 613761.

Allele frequency attached by ClinVar (database versions not stated): gnomAD 0.00017 and 0.00019; gnomAD exomes 0.00019 and 0.00028; TOPMed 0.00020; ESP Exome Variant Server 0.00031; ExAC 0.00036; 1000 Genomes Project 0.00040; 1000 Genomes Project 30x 0.00047.
gnomAD v4.1: 306 of 1,613,600 alleles (0.019%); highest among the groups gnomAD compares: Middle Eastern, 0.12%; no homozygotes.

Submissions (7):

Labcorp Genetics (formerly Invitae), Labcorp
Classification: Likely benign. Last evaluated: 2026-01-19. Review status: criteria provided, single submitter. Criteria: Invitae Variant Classification Sherloc (09022015). Collection method: clinical testing. Allele origin: germline.

Women's Health and Genetics/Laboratory Corporation of America, LabCorp
Classification: Likely benign. Last evaluated: 2025-09-02. Review status: criteria provided, single submitter. Criteria: LabCorp Variant Classification Summary - May 2015. Collection method: clinical testing. Allele origin: germline.

Blueprint Genetics
Classification: Likely benign. Last evaluated: 2024-11-14. Review status: criteria provided, single submitter. Criteria: ACMG Guidelines, 2015. Collection method: clinical testing. Allele origin: germline.

Illumina Laboratory Services, Illumina
Classification: Likely benign for Age related macular degeneration 5. Last evaluated: 2018-01-13. Review status: criteria provided, single submitter. Criteria: ICSL Variant Classification Criteria 13 December 2019. Collection method: clinical testing. Allele origin: germline.
Comment: This variant was observed in the ICSL laboratory as part of a predisposition screen in an ostensibly healthy population. It had not been previously curated by ICSL or reported in the Human Gene Mutation Database (HGMD: prior to June 1st, 2018), and was therefore a candidate for classification through an automated scoring system. Utilizing variant allele frequency, disease prevalence and penetrance estimates, and inheritance mode, an automated score was calculated to assess if this variant is too frequent to cause the disease. Based on the score and internal cut-off values, a variant classified as likely benign is not then subjected to further curation. The score for this variant resulted in a classification of likely benign for this disease.

Illumina Laboratory Services, Illumina
Classification: Uncertain significance for Cockayne syndrome type 2. Last evaluated: 2018-01-13. Review status: criteria provided, single submitter. Criteria: ICSL Variant Classification Criteria 13 December 2019. Collection method: clinical testing. Allele origin: germline.

Illumina Laboratory Services, Illumina
Classification: Uncertain significance for Cerebrooculofacioskeletal syndrome 1. Last evaluated: 2018-01-13. Review status: criteria provided, single submitter. Criteria: ICSL Variant Classification Criteria 13 December 2019. Collection method: clinical testing. Allele origin: germline.

Dr. Peter K. Rogan Lab, Western University
No classification provided (evidence only). Condition: Malignant tumor of esophagus. Review status: no classification provided. Collection method: in vitro. Allele origin: not applicable. Functional consequence: retained intron. Not counted in ClinVar's aggregate classification.

NM_000124.4(ERCC6):c.2925-8T>A

Gene: ERCC6 (ERCC excision repair 6, chromatin remodeling factor; minus strand). Cytogenetic location: 10q11.23.
Variant type: single nucleotide variant.
Coding change: c.2925-8T>A on transcript NM_000124.4 (MANE Select); 8 bases into the intron before coding-DNA position 2925, T replaced by A.
Molecular consequence: intron variant.
Genome position (GRCh38, 1-based): chr10:49,471,128, A>T on the plus strand (T>A on the coding strand, the complement: ERCC6 is on the minus strand). VCF-style: chr10-49471128-A-T. GRCh37 (hg19) VCF-style: chr10-50679174-A-T.
Other names: c.2925-8T>A (NM_001346440.2).
Identifiers: ClinVar variation 727959 (VCV000727959.17), dbSNP rs147637331, ClinGen allele CA5495466.